The following is an entry in ClinVar:

ClinVar aggregate classification (germline): Likely benign (1 of 4 stars; one submission).

Conditions:
Lathosterolosis. Also called: STEROL C5-DESATURASE DEFICIENCY; SC5D DEFICIENCY. Identifiers: Orphanet 46059, MedGen C1846421, MONDO:0011816, OMIM 607330.

Allele frequency attached by ClinVar (database versions not stated): gnomAD 0.00098 and 0.00103; 1000 Genomes Project 0.00100; TOPMed 0.00109; 1000 Genomes Project 30x 0.00125.
gnomAD v4.1: 149 of 152,328 alleles (0.098%); highest among the groups gnomAD compares: Middle Eastern, 0.68%; 1 homozygote.

Submission:

Illumina Laboratory Services, Illumina
Classification: Likely benign for Lathosterolosis. Last evaluated: 2018-01-13. Review status: criteria provided, single submitter. Criteria: ICSL Variant Classification Criteria 13 December 2019. Collection method: clinical testing. Allele origin: germline.
Comment: This variant was observed in the ICSL laboratory as part of a predisposition screen in an ostensibly healthy population. It had not been previously curated by ICSL or reported in the Human Gene Mutation Database (HGMD: prior to June 1st, 2018), and was therefore a candidate for classification through an automated scoring system. Utilizing variant allele frequency, disease prevalence and penetrance estimates, and inheritance mode, an automated score was calculated to assess if this variant is too frequent to cause the disease. Based on the score and internal cut-off values, a variant classified as likely benign is not then subjected to further curation. The score for this variant resulted in a classification of likely benign for this disease.

NM_006918.5(SC5D):c.*1468C>G

Gene: SC5D (sterol-C5-desaturase; plus strand). Cytogenetic location: 11q24.1.
Variant type: single nucleotide variant.
Coding change: c.*1468C>G on transcript NM_006918.5 (MANE Select); 1468 bases downstream of the stop codon, C replaced by G.
Molecular consequence: 3 prime UTR variant.
Genome position (GRCh38, 1-based): chr11:121,308,980, C>G. VCF-style: chr11-121308980-C-G. GRCh37 (hg19) VCF-style: chr11-121179689-C-G.
Other names: c.*1468C>G (NM_001024956.3).
Identifiers: ClinVar variation 879926 (VCV000879926.4), dbSNP rs187197929, ClinGen allele CA229858822.